The following is an entry in ClinVar:

NM_004006.3(DMD):c.5140G>T (p.Glu1714Ter)

Gene: DMD (dystrophin; minus strand). Cytogenetic location: Xp21.1.
Variant type: single nucleotide variant.
Coding change: c.5140G>T on transcript NM_004006.3 (MANE Select); coding-DNA position 5140, G replaced by T.
Protein change: p.Glu1714Ter; replaces glutamic acid 1714 with a stop codon.
Molecular consequence: nonsense.
Genome position (GRCh38, 1-based): chrX:32,364,596, C>A on the plus strand (G>T on the coding strand, the complement: DMD is on the minus strand). VCF-style: chrX-32364596-C-A. GRCh37 (hg19) VCF-style: chrX-32382713-C-A.
Other names: c.5116G>T, p.Glu1706Ter (NM_000109.4); c.5128G>T, p.Glu1710Ter (NM_004009.3); c.4771G>T, p.Glu1591Ter (NM_004010.3); c.1117G>T, p.Glu373Ter (NM_004011.4); c.1108G>T, p.Glu370Ter (NM_004012.4); short protein forms E1714*, E1591*, E1710*, E1706*, E370*, E373*.
Identifiers: ClinVar variation 283945 (VCV000283945.57), dbSNP rs886042747, ClinGen allele CA10604634.

ClinVar aggregate classification (germline): Pathogenic. Review status: criteria provided, multiple submitters, no conflicts (2 of 4 stars). 4 submissions from 4 submitters: Pathogenic (4). Last evaluated 2019-10-09.

Conditions:
Duchenne muscular dystrophy (DMD). Also called: Duchenne Muscular Dystrophy (DMD); MUSCULAR DYSTROPHY, PSEUDOHYPERTROPHIC PROGRESSIVE, DUCHENNE TYPE. Identifiers: Orphanet 98896, MedGen C0013264, MONDO:0010679, OMIM 310200.

Submissions (4):

Revvity Omics, Revvity
Classification: Pathogenic. Last evaluated: 2019-10-09. Review status: criteria provided, single submitter. Criteria: ACMG Guidelines, 2015. Collection method: clinical testing. Allele origin: germline.

CeGaT Center for Human Genetics Tuebingen
Classification: Pathogenic. Last evaluated: 2019-10-01. Review status: criteria provided, single submitter. Criteria: CeGaT Center For Human Genetics Tuebingen Variant Classification Criteria Version 2. Collection method: clinical testing. Allele origin: germline. Affected: yes. Observed: 1 variant allele.

Labcorp Genetics (formerly Invitae), Labcorp
Classification: Pathogenic for Duchenne muscular dystrophy. Last evaluated: 2017-06-12. Review status: criteria provided, single submitter. Criteria: Invitae Variant Classification Sherloc (09022015). Collection method: clinical testing. Allele origin: germline.
Comment: For these reasons, this variant has been classified as Pathogenic. Loss-of-function variants in DMD are known to be pathogenic (PMID: 16770791). This variant has been reported in 2 individuals affected with Duchenne muscular dystrophy (DMD) (PMID: 19937601). ClinVar contains an entry for this variant (Variation ID: 283945). This variant is not present in population databases (ExAC no frequency). This sequence change creates a premature translational stop signal (p.Glu1714*) in the DMD gene. It is expected to result in an absent or disrupted protein product.

Eurofins Ntd Llc (ga)
Classification: Pathogenic. Last evaluated: 2015-10-22. Review status: criteria provided, single submitter. Criteria: EGL Classification Definitions 2015. Collection method: clinical testing. Allele origin: germline. Observed: 1 variant allele, 1 hemizygote.

Literature cited by the submitters: PubMed 16770791 (cited by Labcorp Genetics (formerly Invitae), Labcorp); PubMed 19937601 (cited by Labcorp Genetics (formerly Invitae), Labcorp and Eurofins Ntd Llc (ga)).